The following is an entry in ClinVar:

ClinVar aggregate classification (germline): Likely benign. Review status: criteria provided, multiple submitters, no conflicts (2 of 4 stars). 2 submissions from 2 submitters: Likely benign (2). Last evaluated 2025-10-20.

Conditions:
Ullrich congenital muscular dystrophy 2 (UCMD2). Identifiers: Orphanet 75840, MedGen C4225314, MONDO:0014654, OMIM 616470.
Bethlem myopathy 2 (BTHLM2). Identifiers: Orphanet 536516, Orphanet 610, MedGen C4225313, MONDO:0034022, OMIM 616471.

Allele frequency attached by ClinVar (database versions not stated): ExAC 0.00002; TOPMed 0.00004; gnomAD exomes 0.00001; gnomAD 0.00003 and 0.00004.
gnomAD v4.1: 13 of 1,613,316 alleles (0.00081%); highest among the groups gnomAD compares: African/African-American, 0.011%; no homozygotes.

Submissions (2):

Mayo Clinic Laboratories, Mayo Clinic
Classification: Likely benign. Last evaluated: 2025-10-20. Review status: criteria provided, single submitter. Criteria: ACMG Guidelines, 2015. Collection method: clinical testing. Allele origin: germline. Observed: 1 variant allele.
Comment: BP4, BP7

Labcorp Genetics (formerly Invitae), Labcorp
Classification: Likely benign for Bethlem myopathy 2; Ullrich congenital muscular dystrophy 2. Last evaluated: 2025-07-25. Review status: criteria provided, single submitter. Criteria: Invitae Variant Classification Sherloc (09022015). Collection method: clinical testing. Allele origin: germline.

NM_004370.6(COL12A1):c.546T>C (p.Val182=)

Gene: COL12A1 (collagen type XII alpha 1 chain; minus strand). Cytogenetic location: 6q13.
Variant type: single nucleotide variant.
Coding change: c.546T>C on transcript NM_004370.6 (MANE Select); coding-DNA position 546, T replaced by C.
Protein change: p.Val182=; no amino-acid change (valine 182 retained).
Molecular consequence: synonymous variant. On other transcripts: intron variant (1).
Genome position (GRCh38, 1-based): chr6:75,189,664, A>G on the plus strand (T>C on the coding strand, the complement: COL12A1 is on the minus strand). VCF-style: chr6-75189664-A-G. GRCh37 (hg19) VCF-style: chr6-75899380-A-G.
Other names: p.Val182=; c.73+13056T>C (NM_080645.3).
Identifiers: ClinVar variation 1645021 (VCV001645021.9), dbSNP rs764254293, ClinGen allele CA3894403.